The following is an entry in ClinVar:

ClinVar aggregate classification (germline): Uncertain significance. Review status: criteria provided, multiple submitters, no conflicts (2 of 4 stars). 2 submissions from 2 submitters: Uncertain significance (2). Last evaluated 2024-07-30.

Conditions:
Cardiovascular phenotype. Identifiers: MedGen CN230736.

Submissions (2):

Ambry Genetics
Classification: Uncertain significance for Cardiovascular phenotype. Last evaluated: 2024-07-30. Review status: criteria provided, single submitter. Criteria: Ambry Variant Classification Scheme 2023. Collection method: clinical testing. Allele origin: germline.

GeneDx
Classification: Uncertain significance. Last evaluated: 2019-09-26. Review status: criteria provided, single submitter. Criteria: GeneDx Variant Classification Process June 2021. Collection method: clinical testing. Allele origin: germline. Affected: yes.
Comment: Has not been previously published as pathogenic or benign to our knowledge; Not observed in large population cohorts (Lek et al., 2016); In silico analysis, which includes protein predictors and evolutionary conservation, supports that this variant does not alter protein structure/function

NM_000152.5(GAA):c.773C>G (p.Thr258Arg)

Gene: GAA (alpha glucosidase; plus strand). Cytogenetic location: 17q25.3.
Variant type: single nucleotide variant.
Coding change: c.773C>G on transcript NM_000152.5 (MANE Select); coding-DNA position 773, C replaced by G.
Protein change: p.Thr258Arg; replaces threonine 258 with arginine.
Molecular consequence: missense variant.
Genome position (GRCh38, 1-based): chr17:80,107,637, C>G. VCF-style: chr17-80107637-C-G. GRCh37 (hg19) VCF-style: chr17-78081436-C-G.
Other names: c.773C>G, p.Thr258Arg (NM_001079803.3, NM_001079804.3); short protein forms T258R.
Identifiers: ClinVar variation 1211303 (VCV001211303.4), dbSNP rs1214164784, ClinGen allele CA401363422.